The following is an entry in ClinVar:

ClinVar aggregate classification (germline): Uncertain significance. Review status: criteria provided, multiple submitters, no conflicts (2 of 4 stars). 2 submissions from 2 submitters: Uncertain significance (2). Last evaluated 2024-11-26.

Conditions:
Inborn genetic diseases. Identifiers: MedGen C0950123, MeSH D030342.

Allele frequency attached by ClinVar (database versions not stated): gnomAD exomes 0.00001.
gnomAD v4.1: 13 of 1,612,780 alleles (0.00081%); highest among the groups gnomAD compares: Non-Finnish European, 0.001%; no homozygotes.

Submissions (2):

Ambry Genetics
Classification: Uncertain significance for Inborn genetic diseases. Last evaluated: 2024-11-26. Review status: criteria provided, single submitter. Criteria: Ambry Variant Classification Scheme 2023. Collection method: clinical testing. Allele origin: germline.
Comment: The p.P479L variant (also known as c.1436C>T), located in coding exon 12 of the ASXL1 gene, results from a C to T substitution at nucleotide position 1436. The proline at codon 479 is replaced by leucine, an amino acid with similar properties. This amino acid position is conserved. In addition, this alteration is predicted to be tolerated by in silico analysis. Based on the available evidence, the clinical significance of this variant remains unclear.

Labcorp Genetics (formerly Invitae), Labcorp
Classification: Uncertain significance. Last evaluated: 2023-09-03. Review status: criteria provided, single submitter. Criteria: Invitae Variant Classification Sherloc (09022015). Collection method: clinical testing. Allele origin: germline.
Comment: This variant has not been reported in the literature in individuals affected with ASXL1-related conditions. In summary, the available evidence is currently insufficient to determine the role of this variant in disease. Therefore, it has been classified as a Variant of Uncertain Significance. An algorithm developed to predict the effect of missense changes on protein structure and function (PolyPhen-2) suggests that this variant is likely to be tolerated. This variant is not present in population databases (gnomAD no frequency). This sequence change replaces proline, which is neutral and non-polar, with leucine, which is neutral and non-polar, at codon 479 of the ASXL1 protein (p.Pro479Leu).

NM_015338.6(ASXL1):c.1436C>T (p.Pro479Leu)

Gene: ASXL1 (ASXL transcriptional regulator 1; plus strand). Cytogenetic location: 20q11.21.
Variant type: single nucleotide variant.
Coding change: c.1436C>T on transcript NM_015338.6 (MANE Select); coding-DNA position 1436, C replaced by T.
Protein change: p.Pro479Leu; replaces proline 479 with leucine.
Molecular consequence: missense variant.
Genome position (GRCh38, 1-based): chr20:32,433,634, C>T. VCF-style: chr20-32433634-C-T. GRCh37 (hg19) VCF-style: chr20-31021437-C-T.
Other names: c.1253C>T, p.Pro418Leu (NM_001363734.1); short protein forms P418L, P479L.
Identifiers: ClinVar variation 2804467 (VCV002804467.4), dbSNP rs2123262988, ClinGen allele CA408556565.
Genomic context (GRCh38, chr20:32,433,634, plus strand): 5'-CAGGGCTGAGCAGTCCCCATCTGCCAGGCACATCCTCTGCAGCACCCGACCTGGAGGGTC[C>T]CGAATTCCCAGTTGAGTCTGTGGCTTCTCGGATCCAGGCTGAGCCAGACAACTTGGCACG-3'
Protein context (NP_056153.2, residues 469-489): TSSAAPDLEG[Pro479Leu]EFPVESVASR